The following is an entry in ClinVar:

ClinVar aggregate classification (germline): Uncertain significance (1 of 4 stars; one submission).

Conditions:
Becker muscular dystrophy (BMD). Also called: Becker Muscular Dystrophy (BMD); MUSCULAR DYSTROPHY, PSEUDOHYPERTROPHIC PROGRESSIVE, BECKER TYPE. Identifiers: Orphanet 98895, MedGen C0917713, MONDO:0010311, OMIM 300376.

Submission:

Dr. med. U. Finckh, Human Genetics, Eurofins MVZ
Classification: Uncertain significance for Becker muscular dystrophy. Last evaluated: 2020-03-05. Review status: criteria provided, single submitter. Criteria: ACMG Guidelines, 2015. Collection method: clinical testing. Allele origin: unknown.

NM_004006.3(DMD):c.8800G>C (p.Glu2934Gln)

Gene: DMD (dystrophin; minus strand). Cytogenetic location: Xp21.2.
Variant type: single nucleotide variant.
Coding change: c.8800G>C on transcript NM_004006.3 (MANE Select); coding-DNA position 8800, G replaced by C.
Protein change: p.Glu2934Gln; replaces glutamic acid 2934 with glutamine.
Molecular consequence: missense variant.
Genome position (GRCh38, 1-based): chrX:31,478,243, C>G on the plus strand (G>C on the coding strand, the complement: DMD is on the minus strand). VCF-style: chrX-31478243-C-G. GRCh37 (hg19) VCF-style: chrX-31496360-C-G.
Other names: c.8776G>C, p.Glu2926Gln (NM_000109.4); c.8788G>C, p.Glu2930Gln (NM_004009.3); c.8431G>C, p.Glu2811Gln (NM_004010.3); c.4777G>C, p.Glu1593Gln (NM_004011.4); c.4768G>C, p.Glu1590Gln (NM_004012.4); c.1420G>C, p.Glu474Gln (NM_004013.3, NM_004020.4, NM_004021.3 and 2 more transcripts); c.613G>C, p.Glu205Gln (NM_004014.3); short protein forms E1590Q, E1593Q, E205Q, E2811Q, E2926Q, E2930Q, E2934Q, E474Q.
Identifiers: ClinVar variation 2580977 (VCV002580977.1), dbSNP rs1603222556, ClinGen allele CA412654127.